The following is an entry in ClinVar:

NM_007294.4(BRCA1):c.3181A>C (p.Ile1061Leu)

Gene: BRCA1 (BRCA1 DNA repair associated; minus strand). Cytogenetic location: 17q21.31.
Variant type: single nucleotide variant.
Coding change: c.3181A>C on transcript NM_007294.4 (MANE Select); coding-DNA position 3181, A replaced by C.
Protein change: p.Ile1061Leu; replaces isoleucine 1061 with leucine.
Molecular consequence: missense variant. On other transcripts: intron variant (137).
Genome position (GRCh38, 1-based): chr17:43,092,350, T>G on the plus strand (A>C on the coding strand, the complement: BRCA1 is on the minus strand). VCF-style: chr17-43092350-T-G. GRCh37 (hg19) VCF-style: chr17-41244367-T-G.
Other names: c.3178A>C, p.Ile1060Leu (NM_001407630.1, NM_001407631.1, NM_001407632.1 and 22 more transcripts); c.3181A>C, p.Ile1061Leu (NM_001407639.1, NM_001407640.1, NM_001407641.1 and 30 more transcripts); c.3172A>C, p.Ile1058Leu (NM_001407646.1, NM_001407647.1); c.3058A>C, p.Ile1020Leu (NM_001407648.1, NM_001407664.1, NM_001407665.1 and 19 more transcripts); c.3055A>C, p.Ile1019Leu (NM_001407649.1, NM_001407670.1, NM_001407671.1 and 11 more transcripts); c.3103A>C, p.Ile1035Leu (NM_001407653.1, NM_001407654.1, NM_001407655.1 and 4 more transcripts); c.3100A>C, p.Ile1034Leu (NM_001407659.1, NM_001407660.1, NM_001407661.1 and 1 more transcripts); c.3040A>C, p.Ile1014Leu (NM_001407692.1, NM_001407694.1, NM_001407695.1 and 29 more transcripts); and 41 more; short protein forms I1061L, I1014L, I933L, I990L, I993L, I1013L, I1034L, I1035L.
Identifiers: ClinVar variation 482961 (VCV000482961.16), dbSNP rs876658975, ClinGen allele CA10595625.

ClinVar aggregate classification (germline): Conflicting classifications of pathogenicity. Review status: criteria provided, conflicting classifications (1 of 4 stars). 4 submissions from 4 submitters: Uncertain significance (3); Likely benign (1). Last evaluated 2024-12-26.

Conditions:
Hereditary breast ovarian cancer syndrome. Also called: Hereditary breast and ovarian cancer syndrome; Hereditary breast and ovarian cancer; Hereditary breast and ovarian cancer syndrome (HBOC); Breast and ovarian cancer; Hereditary breast and/or ovarian cancer syndrome; BRCA1- and BRCA2-Associated Hereditary Breast and Ovarian Cancer. Identifiers: Orphanet 145, MedGen C0677776, MeSH D061325, MONDO:0003582. Disease mechanism: loss of function.
Hereditary cancer-predisposing syndrome. Also called: Neoplastic Syndromes, Hereditary; Tumor predisposition; Hereditary Cancer Syndrome; Hereditary neoplastic syndrome. Identifiers: Orphanet 140162, MedGen C0027672, MeSH D009386, MONDO:0015356.

gnomAD v4.1: 1 of 1,613,956 alleles (0.000062%); highest among the groups gnomAD compares: Non-Finnish European, 0.000085%; no homozygotes.

Submissions (4):

GeneDx
Classification: Uncertain significance. Last evaluated: 2024-12-26. Review status: criteria provided, single submitter. Criteria: GeneDx Variant Classification Process June 2021. Collection method: clinical testing. Allele origin: germline. Affected: yes.
Comment: Observed in an individual with breast cancer (PMID: 35585550); In silico analysis indicates that this missense variant does not alter protein structure/function; Not observed at significant frequency in large population cohorts (gnomAD); Also known as 3300A>C; This variant is associated with the following publications: (PMID: 9774970, 15343273, 31911673, 35585550, 32377563, 29884841)

Ambry Genetics
Classification: Uncertain significance for Hereditary cancer-predisposing syndrome. Last evaluated: 2024-11-10. Review status: criteria provided, single submitter. Criteria: Ambry Variant Classification Scheme 2023. Collection method: clinical testing. Allele origin: germline.
Comment: The p.I1061L variant (also known as c.3181A>C), located in coding exon 9 of the BRCA1 gene, results from an A to C substitution at nucleotide position 3181. The isoleucine at codon 1061 is replaced by leucine, an amino acid with highly similar properties. This amino acid position is poorly conserved in available vertebrate species. In addition, the in silico prediction for this alteration is inconclusive. Since supporting evidence is limited at this time, the clinical significance of this alteration remains unclear.

University of Washington Department of Laboratory Medicine, University of Washington
Classification: Likely benign for Hereditary cancer-predisposing syndrome. Last evaluated: 2023-03-23. Review status: criteria provided, single submitter. Criteria: Dines et al. (Genet Med. 2020). Collection method: curation. Allele origin: germline.
Comment: Missense variant in a coldspot region where missense variants are very unlikely to be pathogenic (PMID:31911673).

BRCA1 coldspot (exon 11 using historical exon numbering). Reclassification based on statistical prior probability

Labcorp Genetics (formerly Invitae), Labcorp
Classification: Uncertain significance for Hereditary breast ovarian cancer syndrome. Last evaluated: 2021-08-22. Review status: criteria provided, single submitter. Criteria: Invitae Variant Classification Sherloc (09022015). Collection method: clinical testing. Allele origin: germline.
Comment: This variant is not present in population databases (ExAC no frequency). This sequence change replaces isoleucine with leucine at codon 1061 of the BRCA1 protein (p.Ile1061Leu). The isoleucine residue is weakly conserved and there is a small physicochemical difference between isoleucine and leucine. This variant has not been reported in the literature in individuals affected with BRCA1-related conditions. In summary, the available evidence is currently insufficient to determine the role of this variant in disease. Therefore, it has been classified as a Variant of Uncertain Significance. Advanced modeling of protein sequence and biophysical properties (such as structural, functional, and spatial information, amino acid conservation, physicochemical variation, residue mobility, and thermodynamic stability) performed at Invitae indicates that this missense variant is not expected to disrupt BRCA1 protein function. ClinVar contains an entry for this variant (Variation ID: 482961).